The following is an entry in ClinVar:

ClinVar aggregate classification (germline): Pathogenic (1 of 4 stars; one submission).

Conditions:
Beta-D-mannosidosis (MANSB). Also called: MANNOSIDOSIS, BETA A, LYSOSOMAL; BETA-MANNOSIDASE DEFICIENCY; LYSOSOMAL BETA-MANNOSIDASE DEFICIENCY; Beta-Mannosidosis. Identifiers: Orphanet 118, MedGen C4048196, MONDO:0009562, OMIM 248510.

Submission:

Labcorp Genetics (formerly Invitae), Labcorp
Classification: Pathogenic for Beta-D-mannosidosis. Last evaluated: 2025-12-06. Review status: criteria provided, single submitter. Criteria: Invitae Variant Classification Sherloc (09022015). Collection method: clinical testing. Allele origin: germline.
Comment: This sequence change creates a premature translational stop signal (p.Val493delinsGlyGlnSerThrSerArgThrMet*) in the MANBA gene. It is expected to result in an absent or disrupted protein product. Loss-of-function variants in MANBA are known to be pathogenic (PMID: 9384606, 12468273). This variant is not present in population databases (gnomAD no frequency). This variant has not been reported in the literature in individuals affected with MANBA-related conditions. This variant is also known as p.Val493Glyfs*9. ClinVar contains an entry for this variant (Variation ID: 2900140). For these reasons, this variant has been classified as Pathogenic.

Literature cited by the submitters: PubMed 9384606; PubMed 12468273.

NM_005908.4(MANBA):c.1422_1477dup (p.Val493delinsGlyGlnSerThrSerArgThrMetTer)

Gene: MANBA (mannosidase beta; minus strand). Cytogenetic location: 4q24.
Variant type: Duplication.
Coding change: c.1422_1477dup on transcript NM_005908.4 (MANE Select); coding-DNA positions 1422 to 1477, 56 bases duplicated.
Protein change: p.Val493delinsGlyGlnSerThrSerArgThrMetTer.
Molecular consequence: nonsense.
Genome position (GRCh38, 1-based): chr4:102,664,693-102,664,748, 56 bases duplicated. GRCh37 (hg19): chr4:103,585,852-103,585,907.
Identifiers: ClinVar variation 2900140 (VCV002900140.3), dbSNP rs2476774436, ClinGen allele CA2671584488.